The following is an entry in ClinVar:

ClinVar aggregate classification (germline): Conflicting classifications of pathogenicity. Review status: criteria provided, conflicting classifications (1 of 4 stars). 3 submissions from 3 submitters: Uncertain significance (2); Likely benign (1). Last evaluated 2026-01-01.

Conditions:
Autosomal recessive spastic paraplegia type 78. Identifiers: Orphanet 513436, MedGen C5567893, MONDO:0014975, OMIM 617225.
Kufor-Rakeb syndrome (KRS). Also called: PARKINSON DISEASE 9, AUTOSOMAL RECESSIVE, JUVENILE-ONSET. Identifiers: Orphanet 306674, Orphanet 314632, MedGen C1847640, MONDO:0011706, OMIM 606693.
Inborn genetic diseases. Identifiers: MedGen C0950123, MeSH D030342.

Allele frequency attached by ClinVar (database versions not stated): TOPMed 0.00005; ExAC 0.00006; gnomAD 0.00010 and 0.00011; 1000 Genomes Project 0.00020; ESP Exome Variant Server 0.00024; 1000 Genomes Project 30x 0.00031.
gnomAD v4.1: 67 of 1,584,600 alleles (0.0042%); highest among the groups gnomAD compares: Admixed American, 0.022%; no homozygotes.

Submissions (3):

CeGaT Center for Human Genetics Tuebingen
Classification: Uncertain significance. Last evaluated: 2026-01-01. Review status: criteria provided, single submitter. Criteria: CeGaT Center For Human Genetics Tuebingen Variant Classification Criteria Version 2. Collection method: clinical testing. Allele origin: germline. Affected: yes. Observed: 2 variant alleles.
Comment: ATP13A2: PM2, BP4

Ambry Genetics
Classification: Likely benign for Inborn genetic diseases. Last evaluated: 2023-02-15. Review status: criteria provided, single submitter. Criteria: Ambry Variant Classification Scheme 2023. Collection method: clinical testing. Allele origin: germline.

Labcorp Genetics (formerly Invitae), Labcorp
Classification: Uncertain significance for Kufor-Rakeb syndrome; Autosomal recessive spastic paraplegia type 78. Last evaluated: 2021-09-19. Review status: criteria provided, single submitter. Criteria: Invitae Variant Classification Sherloc (09022015). Collection method: clinical testing. Allele origin: germline.
Comment: This sequence change replaces arginine with cysteine at codon 1147 of the ATP13A2 protein (p.Arg1147Cys). The arginine residue is weakly conserved and there is a large physicochemical difference between arginine and cysteine. This variant is present in population databases (rs370421723, ExAC 0.03%). This variant has not been reported in the literature in individuals affected with ATP13A2-related conditions. Algorithms developed to predict the effect of missense changes on protein structure and function are either unavailable or do not agree on the potential impact of this missense change (SIFT: "Tolerated"; PolyPhen-2: "Possibly Damaging"; Align-GVGD: "Class C0"). In summary, the available evidence is currently insufficient to determine the role of this variant in disease. Therefore, it has been classified as a Variant of Uncertain Significance.

NM_022089.4(ATP13A2):c.3439C>T (p.Arg1147Cys)

Gene: ATP13A2 (ATPase cation transporting 13A2; minus strand). Cytogenetic location: 1p36.13.
Variant type: single nucleotide variant.
Coding change: c.3439C>T on transcript NM_022089.4 (MANE Select); coding-DNA position 3439, C replaced by T.
Protein change: p.Arg1147Cys; replaces arginine 1147 with cysteine.
Molecular consequence: missense variant.
Genome position (GRCh38, 1-based): chr1:16,986,325, G>A on the plus strand (C>T on the coding strand, the complement: ATP13A2 is on the minus strand). VCF-style: chr1-16986325-G-A. GRCh37 (hg19) VCF-style: chr1-17312820-G-A.
Other names: c.3439C>T (NM_022089.2); c.3424C>T, p.Arg1142Cys (NM_001141973.3); c.3137C>T, p.Ala1046Val (NM_001141974.3); short protein forms A1046V, R1147C, R1142C.
Identifiers: ClinVar variation 970791 (VCV000970791.13), dbSNP rs370421723, ClinGen allele CA636483.